The following is an entry in ClinVar:

NM_000059.4(BRCA2):c.5200G>C (p.Glu1734Gln)

Gene: BRCA2 (BRCA2 DNA repair associated; plus strand). Cytogenetic location: 13q13.1.
Variant type: single nucleotide variant.
Coding change: c.5200G>C on transcript NM_000059.4 (MANE Select); coding-DNA position 5200, G replaced by C.
Protein change: p.Glu1734Gln; replaces glutamic acid 1734 with glutamine.
Molecular consequence: missense variant.
Genome position (GRCh38, 1-based): chr13:32,339,555, G>C. VCF-style: chr13-32339555-G-C. GRCh37 (hg19) VCF-style: chr13-32913692-G-C.
Other names: short protein forms E1734Q.
Identifiers: ClinVar variation 441513 (VCV000441513.9), dbSNP rs786202543, ClinGen allele CA387784590.

ClinVar aggregate classification (germline): Conflicting classifications of pathogenicity. Review status: criteria provided, conflicting classifications (1 of 4 stars). 3 submissions from 3 submitters: Uncertain significance (2); Likely benign (1). Last evaluated 2023-03-23.

Conditions:
Hereditary cancer-predisposing syndrome. Also called: Hereditary Cancer Syndrome; Hereditary neoplastic syndrome; Neoplastic Syndromes, Hereditary; Tumor predisposition. Identifiers: Orphanet 140162, MedGen C0027672, MeSH D009386, MONDO:0015356.

Submissions (3):

University of Washington Department of Laboratory Medicine, University of Washington
Classification: Likely benign for Hereditary cancer-predisposing syndrome. Last evaluated: 2023-03-23. Review status: criteria provided, single submitter. Criteria: Dines et al. (Genet Med. 2020). Collection method: curation. Allele origin: germline.
Comment: Missense variant in a coldspot region where missense variants are very unlikely to be pathogenic (PMID:31911673).

BRCA2 exon 11 coldspot. Reclassification based on statistical prior probability.

Color Diagnostics, LLC DBA Color Health
Classification: Uncertain significance for Hereditary cancer-predisposing syndrome. Last evaluated: 2019-06-05. Review status: criteria provided, single submitter. Criteria: ACMG Guidelines, 2015. Collection method: clinical testing. Allele origin: germline.

Ambry Genetics
Classification: Uncertain significance for Hereditary cancer-predisposing syndrome. Last evaluated: 2016-09-19. Review status: criteria provided, single submitter. Criteria: Ambry Variant Classification Scheme 2023. Collection method: clinical testing. Allele origin: germline.
Comment: The p.E1734Q variant (also known as c.5200G>C), located in coding exon 10 of the BRCA2 gene, results from a G to C substitution at nucleotide position 5200. The glutamic acid at codon 1734 is replaced by glutamine, an amino acid with highly similar properties. This variant was not reported in population based cohorts in the following databases: Database of Single Nucleotide Polymorphisms (dbSNP), NHLBI Exome Sequencing Project (ESP), and 1000 Genomes Project. In the ESP, this variant was not observed in 6492 samples (12984 alleles) with coverage at this position. To date, this alteration has been detected with an allele frequency of approximately 0.0003% (greater than 300000 alleles tested) in our clinical cohort. This amino acid position is poorly conserved in available vertebrate species. In addition, this alteration is predicted to be tolerated by in silico analysis. Since supporting evidence is limited at this time, the clinical significance of this alteration remains unclear.